The following is an entry in ClinVar:

NM_020686.6(ABAT):c.830T>C (p.Ile277Thr)

Gene: ABAT (4-aminobutyrate aminotransferase; plus strand). Cytogenetic location: 16p13.2.
Variant type: single nucleotide variant.
Coding change: c.830T>C on transcript NM_020686.6 (MANE Select); coding-DNA position 830, T replaced by C.
Protein change: p.Ile277Thr; replaces isoleucine 277 with threonine.
Molecular consequence: missense variant. On other transcripts: intron variant (1).
Genome position (GRCh38, 1-based): chr16:8,772,793, T>C. VCF-style: chr16-8772793-T-C. GRCh37 (hg19) VCF-style: chr16-8866650-T-C.
Other names: c.830T>C, p.Ile277Thr (NM_000663.5, NM_001127448.2, NM_001386600.1 and 6 more transcripts); c.767T>C, p.Ile256Thr (NM_001386606.1, NM_001386607.1); c.737T>C, p.Ile246Thr (NM_001386608.1); c.695T>C, p.Ile232Thr (NM_001386610.1, NM_001386611.1); c.632T>C, p.Ile211Thr (NM_001386612.1, NM_001386613.1); c.584T>C, p.Ile195Thr (NM_001386614.1); c.926T>C, p.Ile309Thr (NM_001386615.1); c.817-26T>C (NM_001386605.1); short protein forms I277T, I195T, I211T, I232T, I246T, I256T, I309T.
Identifiers: ClinVar variation 884468 (VCV000884468.7), dbSNP rs540071491, ClinGen allele CA7893330.

ClinVar aggregate classification (germline): Uncertain significance. Review status: criteria provided, multiple submitters, no conflicts (2 of 4 stars). 2 submissions from 2 submitters: Uncertain significance (2). Last evaluated 2022-07-25.

Conditions:
Gamma-aminobutyric acid transaminase deficiency (GABATD). Also called: GABA transaminase deficiency; Gamma aminobutyrate transaminase deficiency; 4 alpha aminobutyrate transaminase deficiency; GABA aminotransaminase deficiency. Identifiers: Orphanet 2066, MedGen C0342708, MONDO:0013166, OMIM 613163.

Allele frequency attached by ClinVar (database versions not stated): TOPMed below 0.00001; gnomAD 0.00001; gnomAD exomes 0.00001 and 0.00002; ExAC 0.00005; 1000 Genomes Project 30x 0.00016; 1000 Genomes Project 0.00020.
gnomAD v4.1: 22 of 1,614,036 alleles (0.0014%); highest among the groups gnomAD compares: South Asian, 0.021%; no homozygotes.

Submissions (2):

Labcorp Genetics (formerly Invitae), Labcorp
Classification: Uncertain significance for Gamma-aminobutyric acid transaminase deficiency. Last evaluated: 2022-07-25. Review status: criteria provided, single submitter. Criteria: Invitae Variant Classification Sherloc (09022015). Collection method: clinical testing. Allele origin: germline.
Comment: This sequence change replaces isoleucine, which is neutral and non-polar, with threonine, which is neutral and polar, at codon 277 of the ABAT protein (p.Ile277Thr). This variant is present in population databases (rs540071491, gnomAD 0.02%). This variant has not been reported in the literature in individuals affected with ABAT-related conditions. ClinVar contains an entry for this variant (Variation ID: 884468). Algorithms developed to predict the effect of missense changes on protein structure and function are either unavailable or do not agree on the potential impact of this missense change (SIFT: "Deleterious"; PolyPhen-2: "Probably Damaging"; Align-GVGD: "Class C0"). In summary, the available evidence is currently insufficient to determine the role of this variant in disease. Therefore, it has been classified as a Variant of Uncertain Significance.

Illumina Laboratory Services, Illumina
Classification: Uncertain significance for Gamma-aminobutyric acid transaminase deficiency. Last evaluated: 2018-01-12. Review status: criteria provided, single submitter. Criteria: ICSL Variant Classification Criteria 13 December 2019. Collection method: clinical testing. Allele origin: germline.